The following is an entry in ClinVar:

NC_000006.11:g.(?_51768385)_(51799130_?)dup

Gene: PKHD1 (PKHD1 ciliary IPT domain containing fibrocystin/polyductin; minus strand). Cytogenetic location: 6p12.3.
Variant type: Duplication.
Identifiers: ClinVar variation 2427257 (VCV002427257.4).

ClinVar aggregate classification (germline): Likely pathogenic (1 of 4 stars; one submission).

Conditions:
Autosomal recessive polycystic kidney disease (ARPKD). Also called: AR polycystic kidney disease. Identifiers: Orphanet 731, Orphanet 8378, MedGen C0085548, MeSH D017044, MONDO:0009889.

Submission:

Labcorp Genetics (formerly Invitae), Labcorp
Classification: Likely pathogenic for Autosomal recessive polycystic kidney disease. Last evaluated: 2022-01-26. Review status: criteria provided, single submitter. Criteria: Invitae Variant Classification Sherloc (09022015). Collection method: clinical testing. Allele origin: germline.
Comment: This variant results in a copy number gain of the genomic region encompassing exon(s) 37-43 of the PKHD1 gene. While the exact position of this variant cannot be determined from the data, sub-genic copy number gains are generally in tandem (PMID: 25640679). This variant is predicted to be out-of-frame, and may result in an absent or disrupted protein product. Loss-of-function variants in PKHD1 are known to be pathogenic (PMID: 19940839). This variant has not been reported in the literature in individuals affected with PKHD1-related conditions. In summary, the currently available evidence indicates that the variant is pathogenic, but additional data are needed to prove that conclusively. Therefore, this variant has been classified as Likely Pathogenic.

Literature cited by the submitters: PubMed 25640679; PubMed 19940839.